The following is an entry in ClinVar:

ClinVar aggregate classification (germline): Uncertain significance (1 of 4 stars; one submission).

gnomAD v4.1: 1 of 1,614,110 alleles (0.000062%); highest among the groups gnomAD compares: Non-Finnish European, 0.000085%; no homozygotes.

Submission:

Labcorp Genetics (formerly Invitae), Labcorp
Classification: Uncertain significance. Last evaluated: 2024-06-19. Review status: criteria provided, single submitter. Criteria: Invitae Variant Classification Sherloc (09022015). Collection method: clinical testing. Allele origin: germline.
Comment: This sequence change replaces histidine, which is basic and polar, with tyrosine, which is neutral and polar, at codon 40 of the PTH protein (p.His40Tyr). This variant is not present in population databases (gnomAD no frequency). This variant has not been reported in the literature in individuals affected with PTH-related conditions. An algorithm developed to predict the effect of missense changes on protein structure and function (PolyPhen-2) suggests that this variant is likely to be disruptive. In summary, the available evidence is currently insufficient to determine the role of this variant in disease. Therefore, it has been classified as a Variant of Uncertain Significance.

NM_000315.4(PTH):c.118C>T (p.His40Tyr)

Gene: PTH (parathyroid hormone; minus strand). Cytogenetic location: 11p15.3.
Variant type: single nucleotide variant.
Coding change: c.118C>T on transcript NM_000315.4 (MANE Select); coding-DNA position 118, C replaced by T.
Protein change: p.His40Tyr; replaces histidine 40 with tyrosine.
Molecular consequence: missense variant.
Genome position (GRCh38, 1-based): chr11:13,492,635, G>A on the plus strand (C>T on the coding strand, the complement: PTH is on the minus strand). VCF-style: chr11-13492635-G-A. GRCh37 (hg19) VCF-style: chr11-13514182-G-A.
Other names: c.214C>T, p.His72Tyr (NM_001316352.2); short protein forms H40Y, H72Y.
Identifiers: ClinVar variation 3657071 (VCV003657071.2).